The following is an entry in ClinVar:

ClinVar aggregate classification (germline): Uncertain significance (1 of 4 stars; one submission).

Conditions:
Type 2 diabetes mellitus. Also called: Type II diabetes mellitus. Identifiers: MedGen C0011860, MeSH D003924, MONDO:0005148, OMIM 125853, HP:0005978.
Maturity-onset diabetes of the young type 1. Also called: MILD JUVENILE DIABETES MELLITUS; MODY, type I; MODY type 1; Diabetes mellitus MODY type 1; MODY HNF4A related; HNF4A-Related Maturity-Onset Diabetes of the Young Type 1. Identifiers: Orphanet 552, MedGen C1852093, MONDO:0007452, OMIM 125850. Disease mechanism: loss of function.
Fanconi renotubular syndrome 4 with maturity-onset diabetes of the young (FRTS4). Also called: FRTS4 WITH MODY. Identifiers: Orphanet 93111, MedGen C4014962, MONDO:0014458, OMIM 616026.

Submission:

Juno Genomics, Hangzhou Juno Genomics, Inc
Classification: Uncertain significance for Type 2 diabetes mellitus; Fanconi renotubular syndrome 4 with maturity-onset diabetes of the young; Maturity-onset diabetes of the young type 1. Review status: criteria provided, single submitter. Criteria: ACMG Guidelines, 2015. Collection method: clinical testing. Allele origin: germline.
Comment: Absent from controls (or at extremely low frequency if recessive) in Genome Aggregation Database.;Multiple lines of computational evidence support a deleterious effect on the gene or gene product.

NM_175914.5(HNF4A):c.386C>T (p.Ser129Phe)

Gene: HNF4A (hepatocyte nuclear factor 4 alpha; plus strand). Cytogenetic location: 20q13.12.
Variant type: single nucleotide variant.
Coding change: c.386C>T on transcript NM_175914.5 (MANE Select); coding-DNA position 386, C replaced by T.
Protein change: p.Ser129Phe; replaces serine 129 with phenylalanine.
Molecular consequence: missense variant.
Genome position (GRCh38, 1-based): chr20:44,413,760, C>T. VCF-style: chr20-44413760-C-T. GRCh37 (hg19) VCF-style: chr20-43042400-C-T.
Other names: c.452C>T, p.Ser151Phe (NM_000457.6, NM_178849.3, NM_178850.3); c.386C>T, p.Ser129Phe (NM_001030003.3, NM_001030004.3); c.431C>T, p.Ser144Phe (NM_001258355.2); c.377C>T, p.Ser126Phe (NM_001287182.2, NM_001287183.2, NM_001287184.2); short protein forms S126F, S129F, S144F, S151F.
Identifiers: ClinVar variation 5018680 (VCV005018680.2).